The following is an entry in ClinVar:

NM_025137.4(SPG11):c.29C>T (p.Ala10Val)

Gene: SPG11 (SPG11 vesicle trafficking associated, spatacsin; minus strand). Cytogenetic location: 15q21.1.
Variant type: single nucleotide variant.
Coding change: c.29C>T on transcript NM_025137.4 (MANE Select); coding-DNA position 29, C replaced by T.
Protein change: p.Ala10Val; replaces alanine 10 with valine.
Molecular consequence: missense variant.
Genome position (GRCh38, 1-based): chr15:44,663,619, G>A on the plus strand (C>T on the coding strand, the complement: SPG11 is on the minus strand). VCF-style: chr15-44663619-G-A. GRCh37 (hg19) VCF-style: chr15-44955817-G-A.
Other names: c.29C>T, p.Ala10Val (NM_001160227.2); short protein forms A10V.
Identifiers: ClinVar variation 534843 (VCV000534843.7), dbSNP rs750165094, ClinGen allele CA7535976.
Genomic context (GRCh38, chr15:44,663,619, plus strand): 5'-AACAGCATCGGTAGAACCCGCCCCATGGCCGCGGTGCCCCAGCTACCGCCGGCGGAAGCA[G>A]CACTCGCGACCCCTTCCTCTGCAGCCATCTTGGCCCGGCGGTTACTTCCGGTCACTTTCG-3'
Protein context (NP_079413.3, residues 1-20): MAAEEGVAS[Ala10Val]ASAGGSWGTA

ClinVar aggregate classification (germline): Uncertain significance. Review status: criteria provided, multiple submitters, no conflicts (2 of 4 stars). 2 submissions from 2 submitters: Uncertain significance (2). Last evaluated 2022-08-09.

Conditions:
Hereditary spastic paraplegia 11. Also called: Nakamura Osame syndrome; Autosomal recessive hereditary spastic paraplegia, mental impairment, and thin corpus callosum; Spastic paraplegia, mental retardation and thin corpus callosum; SPASTIC PARAPLEGIA, AUTOSOMAL RECESSIVE, COMPLICATED, WITH THIN CORPUS CALLOSUM; SPASTIC PARAPLEGIA, AUTOSOMAL RECESSIVE, WITH MENTAL IMPAIRMENT AND THIN CORPUS CALLOSUM; Spastic Paraplegia 11. Identifiers: Orphanet 2822, MedGen C1858479, MONDO:0011445, OMIM 604360.
Inborn genetic diseases. Identifiers: MedGen C0950123, MeSH D030342.

Allele frequency attached by ClinVar (database versions not stated): TOPMed 0.00005.
gnomAD v4.1: 49 of 1,596,236 alleles (0.0031%); highest among the groups gnomAD compares: Non-Finnish European, 0.0041%; no homozygotes.

Submissions (2):

Labcorp Genetics (formerly Invitae), Labcorp
Classification: Uncertain significance for Hereditary spastic paraplegia 11. Last evaluated: 2022-08-09. Review status: criteria provided, single submitter. Criteria: Invitae Variant Classification Sherloc (09022015). Collection method: clinical testing. Allele origin: germline.
Comment: This sequence change replaces alanine, which is neutral and non-polar, with valine, which is neutral and non-polar, at codon 10 of the SPG11 protein (p.Ala10Val). The frequency data for this variant in the population databases is considered unreliable, as metrics indicate poor data quality at this position in the gnomAD database. This variant has not been reported in the literature in individuals affected with SPG11-related conditions. ClinVar contains an entry for this variant (Variation ID: 534843). Algorithms developed to predict the effect of missense changes on protein structure and function are either unavailable or do not agree on the potential impact of this missense change (SIFT: "Tolerated"; PolyPhen-2: "Not Available"; Align-GVGD: "Class C0"). In summary, the available evidence is currently insufficient to determine the role of this variant in disease. Therefore, it has been classified as a Variant of Uncertain Significance.

Ambry Genetics
Classification: Uncertain significance for Inborn genetic diseases. Last evaluated: 2021-08-16. Review status: criteria provided, single submitter. Criteria: Ambry Variant Classification Scheme 2023. Collection method: clinical testing. Allele origin: germline.